The following is an entry in ClinVar:

ClinVar aggregate classification (germline): Uncertain significance (1 of 4 stars; one submission).

Conditions:
Glycogen storage disease IXd (GSD9D). Also called: GSD IXd; Muscle Phosphorylase Kinase Deficiency. Identifiers: Orphanet 715, MedGen C1845151, MONDO:0010362, OMIM 300559.

Submission:

Labcorp Genetics (formerly Invitae), Labcorp
Classification: Uncertain significance for Glycogen storage disease IXd. Last evaluated: 2023-04-26. Review status: criteria provided, single submitter. Criteria: Invitae Variant Classification Sherloc (09022015). Collection method: clinical testing. Allele origin: germline.
Comment: In summary, the available evidence is currently insufficient to determine the role of this variant in disease. Therefore, it has been classified as a Variant of Uncertain Significance. Experimental studies and prediction algorithms are not available or were not evaluated, and the functional significance of this variant is currently unknown. This variant has not been reported in the literature in individuals affected with PHKA1-related conditions. This variant results in a copy number gain of the genomic region encompassing exon(s) 1-16 of the PHKA1 gene. This region includes the initiator codon of the gene. This copy number gain extends beyond the assayed region for this gene and therefore may encompass additional genes. As the precise location of this event is unknown, it may be in tandem or it may be located elsewhere in the genome.

NC_000023.10:g.(?_71854985)_(71933728_?)dup

Gene: PHKA1 (phosphorylase kinase regulatory subunit alpha 1; minus strand). Cytogenetic location: Xq13.2.
Variant type: Duplication.
Identifiers: ClinVar variation 2424506 (VCV002424506.6).